The following is an entry in ClinVar:

ClinVar aggregate classification (germline): Likely pathogenic (1 of 4 stars; one submission).

Conditions:
GNPTG-mucolipidosis. Also called: ML III GAMMA; ML IIIC; MUCOLIPIDOSIS III, COMPLEMENTATION GROUP C; MUCOLIPIDOSIS III, IRANIAN VARIANT FORM; MUCOLIPIDOSIS III, VARIANT FORM; Mucolipidosis type III gamma. Identifiers: Orphanet 423470, Orphanet 577, MedGen C1854896, MONDO:0009652, OMIM 252605.

Submission:

Myriad Genetics, Inc.
Classification: Likely pathogenic for GNPTG-mucolipidosis. Last evaluated: 2021-12-17. Review status: criteria provided, single submitter. Criteria: Myriad Women's Health Autosomal Recessive and X-Linked Classification Criteria (2021). Collection method: clinical testing. Allele origin: unknown.
Comment: NM_032520.4(GNPTG):c.216_217delCA(F72Lfs*10) is expected to be pathogenic in the context of mucolipidosis III gamma. This variant is predicted to lead to an abnormal or absent protein product due to the creation of a premature termination codon in GNPTG, a gene where loss-of-function variants are known to be pathogenic. Please note: this variant was assessed in the context of healthy population screening.

NM_032520.5(GNPTG):c.216_217del (p.Phe72fs)

Gene: GNPTG (N-acetylglucosamine-1-phosphate transferase subunit gamma; plus strand). Cytogenetic location: 16p13.3.
Variant type: Deletion.
Coding change: c.216_217del on transcript NM_032520.5 (MANE Select); coding-DNA positions 216 to 217, 2 bases deleted (CA; older notation c.216_217delCA).
Protein change: p.Phe72fs; shifts the reading frame from phenylalanine 72.
Molecular consequence: frameshift variant.
Genome position (GRCh38, 1-based): chr16:1,361,780-1,361,781, CA deleted. VCF-style (leftmost placement, unchanged base first): chr16-1361779-TCA-T. GRCh37 (hg19) VCF-style: chr16-1411780-TCA-T.
Other names: short protein forms F72fs.
Identifiers: ClinVar variation 1726441 (VCV001726441.2), dbSNP rs2548189390, ClinGen allele CA2580090486.